The following is an entry in ClinVar:

NM_001451.3(FOXF1):c.532G>A (p.Gly178Ser)

Gene: FOXF1 (forkhead box F1; plus strand). Cytogenetic location: 16q24.1.
Variant type: single nucleotide variant.
Coding change: c.532G>A on transcript NM_001451.3 (MANE Select); coding-DNA position 532, G replaced by A.
Protein change: p.Gly178Ser; replaces glycine 178 with serine.
Molecular consequence: missense variant.
Genome position (GRCh38, 1-based): chr16:86,511,101, G>A. VCF-style: chr16-86511101-G-A. GRCh37 (hg19) VCF-style: chr16-86544707-G-A.
Other names: short protein forms G178S.
Identifiers: ClinVar variation 5002169 (VCV005002169.1).
Genomic context (GRCh38, chr16:86,511,101, plus strand): 5'-ATGAACGGGCTCGGCTTCAACCACCTCCCGGACACCTACGGCTTCCAGGGCTCGGCCGGC[G>A]GCCTCTCGTGCCCGCCCAACAGCCTGGCGCTGGAGGGCGGCCTGGGCATGATGAACGGCC-3'
Protein context (NP_001442.2, residues 168-188): DTYGFQGSAG[Gly178Ser]LSCPPNSLAL

ClinVar aggregate classification (germline): Uncertain significance (1 of 4 stars; one submission).

Conditions:
FOXF1-related disorder. Also called: FOXF1-related condition.

Submission:

PreventionGenetics, part of Exact Sciences
Classification: Uncertain significance for FOXF1-related condition. Last evaluated: 2025-03-18. Review status: criteria provided, single submitter. Criteria: ACMG Guidelines, 2015. Collection method: clinical testing. Allele origin: germline.
Comment: The FOXF1 c.532G>A variant is predicted to result in the amino acid substitution p.Gly178Ser. To our knowledge, this variant has not been reported in the literature or in a large population database (gnomAD), indicating this variant is rare. At this time, the clinical significance of this variant is uncertain due to the absence of conclusive functional and genetic evidence.